The following is an entry in ClinVar:

NM_000051.4(ATM):c.8802del (p.Met2935fs)

Genes: ATM (ATM serine/threonine kinase; plus strand), C11orf65 (chromosome 11 open reading frame 65; minus strand). Cytogenetic location: 11q22.3.
Variant type: Deletion.
Coding change: c.8802del on transcript NM_000051.4 (MANE Select); coding-DNA position 8802, one base deleted (C; older notation c.8802delC).
Protein change: p.Met2935fs; shifts the reading frame from methionine 2935.
Molecular consequence: frameshift variant. On other transcripts: intron variant (2).
Genome position (GRCh38, 1-based): chr11:108,354,826, C deleted; the last of 2 consecutive C bases (chr11:108,354,825-108,354,826); deleting either gives the same sequence. VCF-style (leftmost placement, unchanged base first): chr11-108354824-AC-A. GRCh37 (hg19) VCF-style: chr11-108225551-AC-A.
Other names: c.8802delC, p.Met2935Trpfs (NM_000051.3); c.8802del, p.Met2935fs (NM_001351834.2); c.640+31095del (NM_001330368.2); c.695-19533del (NM_001351110.2); short protein forms M2935fs.
Identifiers: ClinVar variation 233677 (VCV000233677.20), dbSNP rs876660567, ClinGen allele CA10579320.

ClinVar aggregate classification (germline): Pathogenic/Likely pathogenic. Review status: criteria provided, multiple submitters, no conflicts (2 of 4 stars). 7 submissions from 7 submitters: Pathogenic (5); Likely pathogenic (1). 1 of the submissions does not count toward it. Last evaluated 2025-12-31.

Conditions:
Hereditary cancer-predisposing syndrome. Also called: Neoplastic Syndromes, Hereditary; Hereditary neoplastic syndrome; Tumor predisposition; Hereditary Cancer Syndrome. Identifiers: Orphanet 140162, MedGen C0027672, MeSH D009386, MONDO:0015356.
ATM-related disorder. Also called: ATM-related disorders; ATM-related condition.
Ataxia-telangiectasia syndrome (AT). Also called: Ataxia telangiectasia (A-T); Cerebello-oculocutaneous telangiectasia; Immunodeficiency with ataxia telangiectasia; LOUIS-BAR SYNDROME; AT, COMPLEMENTATION GROUP C; ATAXIA-TELANGIECTASIA, FRESNO VARIANT. Identifiers: Orphanet 100, MedGen C0004135, MONDO:0008840, OMIM 208900.
Familial cancer of breast. Also called: hereditary breast carcinoma; Hereditary breast cancer; BREAST CANCER, FAMILIAL. Identifiers: Orphanet 227535, MedGen C0346153, MONDO:0016419, OMIM 114480. Disease mechanism: loss of function.

Submissions (7):

Labcorp Genetics (formerly Invitae), Labcorp
Classification: Pathogenic for Ataxia-telangiectasia syndrome. Last evaluated: 2025-12-31. Review status: criteria provided, single submitter. Criteria: Invitae Variant Classification Sherloc (09022015). Collection method: clinical testing. Allele origin: germline.
Comment: This sequence change creates a premature translational stop signal (p.Met2935Trpfs*3) in the ATM gene. It is expected to result in an absent or disrupted protein product. Loss-of-function variants in ATM are known to be pathogenic (PMID: 23807571, 25614872). This variant is not present in population databases (gnomAD no frequency). This premature translational stop signal has been observed in individual(s) with clinical features of ataxia-telangiectasia (PMID: 10817650). ClinVar contains an entry for this variant (Variation ID: 233677). For these reasons, this variant has been classified as Pathogenic.

Ambry Genetics
Classification: Pathogenic for Hereditary cancer-predisposing syndrome. Last evaluated: 2025-09-26. Review status: criteria provided, single submitter. Criteria: Ambry Variant Classification Scheme 2023. Collection method: clinical testing. Allele origin: germline.
Comment: The c.8802delC pathogenic mutation, located in coding exon 60 of the ATM gene, results from a deletion of one nucleotide at nucleotide position 8802, causing a translational frameshift with a predicted alternate stop codon (p.M2935Wfs*3). This mutation was detected in a cohort of ataxia-telangiectasia (A-T) patients (Li A et al. Am. J. Med. Genet. 2000 May;92(3):170-7). This variant is considered to be rare based on population cohorts in the Genome Aggregation Database (gnomAD). This alteration is expected to result in loss of function by premature protein truncation or nonsense-mediated mRNA decay. As such, this alteration is interpreted as a disease-causing mutation.

Myriad Genetics, Inc.
Classification: Pathogenic for Familial cancer of breast. Last evaluated: 2024-02-05. Review status: criteria provided, single submitter. Criteria: Myriad Autosomal Dominant, Autosomal Recessive and X-Linked Classification Criteria (2023). Collection method: clinical testing. Allele origin: unknown.
Comment: This variant is considered pathogenic. This variant creates a frameshift predicted to result in premature protein truncation.

Baylor Genetics
Classification: Pathogenic for Familial cancer of breast. Last evaluated: 2023-11-14. Review status: criteria provided, single submitter. Criteria: ACMG Guidelines, 2015. Collection method: clinical testing. Allele origin: unknown.

Blueprint Genetics
Classification: Likely pathogenic for ATM-related disorders. Last evaluated: 2022-09-05. Review status: criteria provided, single submitter. Criteria: ACMG Guidelines, 2015. Collection method: clinical testing. Allele origin: germline. Affected: yes. Observed: 1 variant allele.

GeneDx
Classification: Pathogenic. Last evaluated: 2022-03-10. Review status: criteria provided, single submitter. Criteria: GeneDx Variant Classification Process June 2021. Collection method: clinical testing. Allele origin: germline. Affected: yes.
Comment: Frameshift variant predicted to result in protein truncation or nonsense mediated decay in a gene for which loss-of-function is a known mechanism of disease; Not observed at significant frequency in large population cohorts (gnomAD); Observed in an individual with ataxia-telangiectasia (Li 2000); This variant is associated with the following publications: (PMID: 10817650)

Counsyl
Classification: Likely pathogenic for Ataxia-telangiectasia syndrome. Last evaluated: 2015-12-15. Review status: no assertion criteria provided. Collection method: clinical testing. Allele origin: unknown. Not counted in ClinVar's aggregate classification.

Literature cited by the submitters: PubMed 23807571 (cited by Labcorp Genetics (formerly Invitae), Labcorp); PubMed 25614872 (cited by Labcorp Genetics (formerly Invitae), Labcorp); PubMed 10817650 (cited by Labcorp Genetics (formerly Invitae), Labcorp and Ambry Genetics).